The following is an entry in ClinVar:

NM_000642.3(AGL):c.4347+1G>T

Gene: AGL (amylo-alpha-1,6-glucosidase and 4-alpha-glucanotransferase; plus strand). Cytogenetic location: 1p21.2.
Variant type: single nucleotide variant.
Coding change: c.4347+1G>T on transcript NM_000642.3 (MANE Select); the canonical splice donor site of the intron after coding-DNA position 4347, G replaced by T.
Molecular consequence: splice donor variant.
Genome position (GRCh38, 1-based): chr1:99,916,498, G>T. VCF-style: chr1-99916498-G-T. GRCh37 (hg19) VCF-style: chr1-100382054-G-T.
Other names: c.4347+1G>T (NM_000643.3, NM_000644.3, NM_001425325.1 and 1 more transcripts); c.4299+1G>T (NM_000646.3); c.4326+1G>T (NM_001425326.1); c.4146+1G>T (NM_001425327.1); c.4143+1G>T (NM_001425328.1); c.4008+1G>T (NM_001425329.1); c.3969+1G>T (NM_001425332.1).
Identifiers: ClinVar variation 1468156 (VCV001468156.8), dbSNP rs1553193463, ClinGen allele CA341342378.
Genomic context (GRCh38, chr1:99,916,498, plus strand): 5'-AATGCATTAGACAATGACAACTACAATCTTGCTAAAGGTTTCAATTATCACCAAGGACCT[G>T]TAAGAATTTCATTTATCTTCTGAGTTTCAGTTTAAATTATTTTTCAAGTAATTTTTAGGT-3'

ClinVar aggregate classification (germline): Likely pathogenic (1 of 4 stars; one submission).

Conditions:
Glycogen storage disease type III (GSD3). Also called: Cori disease; FORBES DISEASE. Identifiers: Orphanet 366, MedGen C0017922, MONDO:0009291, OMIM 232400.

Submission:

Labcorp Genetics (formerly Invitae), Labcorp
Classification: Likely pathogenic for Glycogen storage disease type III. Last evaluated: 2022-08-20. Review status: criteria provided, single submitter. Criteria: Invitae Variant Classification Sherloc (09022015). Collection method: clinical testing. Allele origin: germline.
Comment: In summary, the currently available evidence indicates that the variant is pathogenic, but additional data are needed to prove that conclusively. Therefore, this variant has been classified as Likely Pathogenic. Studies have shown that disruption of this splice site results in exon 32 skipping and introduces a premature termination codon (PMID: 26984562). The resulting mRNA is expected to undergo nonsense-mediated decay. ClinVar contains an entry for this variant (Variation ID: 1468156). Disruption of this splice site has been observed in individual(s) with glycogen storage disease (PMID: 26984562). This variant is not present in population databases (gnomAD no frequency). This sequence change affects a donor splice site in intron 32 of the AGL gene. RNA analysis indicates that disruption of this splice site induces altered splicing and may result in an absent or disrupted protein product.

Literature cited by the submitters: PubMed 26984562.